The following is an entry in ClinVar:

NM_000054.7(AVPR2):c.342del (p.Ala114_Val115insTer)

Gene: AVPR2 (arginine vasopressin receptor 2; plus strand). Cytogenetic location: Xq28.
Variant type: Deletion.
Coding change: c.342del on transcript NM_000054.7 (MANE Select); coding-DNA position 342, one base deleted (C; older notation c.342delC).
Protein change: p.Ala114_Val115insTer.
Molecular consequence: frameshift variant.
Genome position (GRCh38, 1-based): chrX:153,905,848, C deleted; the last of 2 consecutive C bases (chrX:153,905,847-153,905,848); deleting either gives the same sequence. VCF-style (leftmost placement, unchanged base first): chrX-153905846-GC-G. GRCh37 (hg19) VCF-style: chrX-153171300-GC-G.
Other names: c.342del, p.Ala114_Val115insTer (NM_001146151.3).
Identifiers: ClinVar variation 3066243 (VCV003066243.1), dbSNP rs2521153751, ClinGen allele CA2740097795.

ClinVar aggregate classification (germline): Pathogenic (1 of 4 stars; one submission).

Conditions:
Diabetes insipidus, nephrogenic, X-linked. Also called: Nephrogenic Diabetes Insipidus, Type I. Identifiers: Orphanet 223, MedGen C1563705, MONDO:0010581, OMIM 304800.

Submission:

MVZ Medizinische Genetik Mainz
Classification: Pathogenic for Diabetes insipidus, nephrogenic, X-linked. Last evaluated: 2023-09-26. Review status: criteria provided, single submitter. Criteria: UK Practice Guidelines For Variant Classification V4 01 2020. Collection method: clinical testing. Allele origin: germline. Inheritance: X-linked dominant inheritance. Affected: yes. Observed: 1 variant allele.
Comment: ACMG Criteria: PVS1,PM2_SUP,PP4